The following is an entry in ClinVar:

ClinVar aggregate classification (germline): Conflicting classifications of pathogenicity. Review status: criteria provided, conflicting classifications (1 of 4 stars). 3 submissions from 3 submitters: Uncertain significance (2); Benign (1). Last evaluated 2023-02-24.

Conditions:
Hypertrophic cardiomyopathy. Also called: HYPERTROPHIC MYOCARDIOPATHY. Identifiers: Orphanet 217569, MedGen C0007194, MeSH D002312, MONDO:0005045, HP:0001639.

Submissions (3):

All of Us Research Program, National Institutes of Health
Classification: Uncertain significance for Hypertrophic cardiomyopathy. Last evaluated: 2023-02-24. Review status: criteria provided, single submitter. Criteria: ACMG Guidelines, 2015. Collection method: clinical testing. Allele origin: germline. Inheritance: Autosomal dominant inheritance. Observed: 1 variant allele, 1 heterozygote.
Comment: This missense variant replaces arginine with proline at codon 177 of the MYBPC3 protein. Computational prediction suggests that this variant may not impact protein structure and function (internally defined REVEL score threshold <= 0.5, PMID: 27666373). To our knowledge, functional studies have not been reported for this variant. This variant has not been reported in individuals affected with MYBPC3-related disorders in the literature. This variant has not been identified in the general population by the Genome Aggregation Database (gnomAD). The available evidence is insufficient to determine the role of this variant in disease conclusively. Therefore, this variant is classified as a Variant of Uncertain Significance.

This study involves interpretation of variants in research participants for the purpose of population health screening. Participant phenotype was not available at the time of variant classification. Additional details can be found in publication PMID: 35346344, PMCID: PMC8962531

Labcorp Genetics (formerly Invitae), Labcorp
Classification: Uncertain significance for Hypertrophic cardiomyopathy. Last evaluated: 2022-09-19. Review status: criteria provided, single submitter. Criteria: Invitae Variant Classification Sherloc (09022015). Collection method: clinical testing. Allele origin: germline.
Comment: In summary, the available evidence is currently insufficient to determine the role of this variant in disease. Therefore, it has been classified as a Variant of Uncertain Significance. Algorithms developed to predict the effect of missense changes on protein structure and function (SIFT, PolyPhen-2, Align-GVGD) all suggest that this variant is likely to be disruptive. ClinVar contains an entry for this variant (Variation ID: 197649). This variant has not been reported in the literature in individuals affected with MYBPC3-related conditions. This variant is not present in population databases (gnomAD no frequency). This sequence change replaces arginine, which is basic and polar, with proline, which is neutral and non-polar, at codon 177 of the MYBPC3 protein (p.Arg177Pro).

Eurofins Ntd Llc (ga)
Classification: Benign. Last evaluated: 2015-02-05. Review status: criteria provided, single submitter. Criteria: EGL Classification Definitions 2015. Collection method: clinical testing. Allele origin: germline. Observed: 1 variant allele, 1 heterozygote.

NM_000256.3(MYBPC3):c.530G>C (p.Arg177Pro)

Gene: MYBPC3 (myosin binding protein C3; minus strand). Cytogenetic location: 11p11.2.
Variant type: single nucleotide variant.
Coding change: c.530G>C on transcript NM_000256.3 (MANE Select); coding-DNA position 530, G replaced by C.
Protein change: p.Arg177Pro; replaces arginine 177 with proline.
Molecular consequence: missense variant.
Genome position (GRCh38, 1-based): chr11:47,349,898, C>G on the plus strand (G>C on the coding strand, the complement: MYBPC3 is on the minus strand). VCF-style: chr11-47349898-C-G. GRCh37 (hg19) VCF-style: chr11-47371449-C-G.
Other names: c.530G>C, p.Arg177Pro (LRG_386t1); short protein forms R177P.
Identifiers: ClinVar variation 197649 (VCV000197649.11), dbSNP rs201012766, ClinGen allele CA015414.